The following is an entry in ClinVar:

ClinVar aggregate classification (germline): Pathogenic (1 of 4 stars; one submission).

Conditions:
Duchenne muscular dystrophy (DMD). Also called: MUSCULAR DYSTROPHY, PSEUDOHYPERTROPHIC PROGRESSIVE, DUCHENNE TYPE; Duchenne Muscular Dystrophy (DMD). Identifiers: Orphanet 98896, MedGen C0013264, MONDO:0010679, OMIM 310200.

Submission:

Labcorp Genetics (formerly Invitae), Labcorp
Classification: Pathogenic for Duchenne muscular dystrophy. Last evaluated: 2017-03-15. Review status: criteria provided, single submitter. Criteria: Invitae Variant Classification Sherloc (09022015). Collection method: clinical testing. Allele origin: germline.
Comment: This sequence change affects a donor splice site in intron 48 of the DMD gene. It is expected to disrupt RNA splicing and likely results in an absent or disrupted protein product. This variant is not present in population databases (ExAC no frequency) and has not been reported in the literature in individuals with a DMD-related disease. This variant is present in the Leiden Duchenne muscular dystrophy database (PMID: 16770791). In addition, a different variant affecting this nucleotide (c.7098+1G>A) has been reported in an individual affected with Duchenne muscular dystrophy (PMID: 7951253). For these reasons, this variant has been classified as Pathogenic.

NM_004006.3(DMD):c.7098+1G>T

Gene: DMD (dystrophin; minus strand). Cytogenetic location: Xp21.1.
Variant type: single nucleotide variant.
Coding change: c.7098+1G>T on transcript NM_004006.3 (MANE Select); the canonical splice donor site of the intron after coding-DNA position 7098, G replaced by T.
Molecular consequence: splice donor variant.
Genome position (GRCh38, 1-based): chrX:31,875,187, C>A on the plus strand (G>T on the coding strand, the complement: DMD is on the minus strand). VCF-style: chrX-31875187-C-A. GRCh37 (hg19) VCF-style: chrX-31893304-C-A.
Other names: c.7074+1G>T (NM_000109.4); c.3075+1G>T (NM_004011.4); c.3066+1G>T (NM_004012.4); c.-283+1G>T (NM_004023.3, NM_004020.4, NM_004022.3 and 2 more transcripts); c.7086+1G>T (NM_004009.3); c.6729+1G>T (NM_004010.3).
Identifiers: ClinVar variation 455929 (VCV000455929.1), dbSNP rs1556962223, ClinGen allele CA412659855.